The following is an entry in ClinVar:

NM_001367549.1(ATP13A3):c.2227C>T (p.Arg743Cys)

Gene: ATP13A3 (ATPase 13A3; minus strand). Cytogenetic location: 3q29.
Variant type: single nucleotide variant.
Coding change: c.2227C>T on transcript NM_001367549.1 (MANE Select); coding-DNA position 2227, C replaced by T.
Protein change: p.Arg743Cys; replaces arginine 743 with cysteine.
Molecular consequence: missense variant. On other transcripts: non-coding transcript variant (2).
Genome position (GRCh38, 1-based): chr3:194,433,790, G>A on the plus strand (C>T on the coding strand, the complement: ATP13A3 is on the minus strand). VCF-style: chr3-194433790-G-A. GRCh37 (hg19) VCF-style: chr3-194154519-G-A.
Other names: c.2146C>T, p.Arg716Cys (NM_001374836.1); c.2227C>T, p.Arg743Cys (NM_024524.4); short protein forms R716C, R743C.
Identifiers: ClinVar variation 1195991 (VCV001195991.6), dbSNP rs2108829926, ClinGen allele CA355802501.

ClinVar aggregate classification (germline): Likely pathogenic. Review status: criteria provided, multiple submitters, no conflicts (2 of 4 stars). 3 submissions from 3 submitters: Likely pathogenic (2). 1 of the submissions does not count toward it. Last evaluated 2022-11-02.

Conditions:
Pulmonary arterial hypertension. Identifiers: Orphanet 182090, MedGen C2973725, MeSH D000081029, MONDO:0015924, HP:0002092.
Pulmonary hypertension, primary, 5. Also called: Pulmonary hypertension, primary, autosomal recessive. Identifiers: Orphanet 422, MedGen C5676877, MONDO:0009935, OMIM 265400.

Allele frequency attached by ClinVar (database versions not stated): gnomAD exomes below 0.00001.
gnomAD v4.1: 3 of 1,614,028 alleles (0.00019%); highest among the groups gnomAD compares: Non-Finnish European, 0.00025%; no homozygotes.

Submissions (3):

Johns Hopkins Genomics, Johns Hopkins University
Classification: Likely pathogenic for Pulmonary hypertension, primary, 5. Last evaluated: 2022-11-02. Review status: criteria provided, single submitter. Criteria: ACMG Guidelines, 2015. Collection method: clinical testing. Allele origin: germline.
Comment: c.2227C>T in ATP13A3 has been identified in the compound heterozygous state in two siblings from an Ashkenazi Jewish family who died before the age of 2 years from childhood onset pulmonary arterial hypertension. The siblings had p.Met850Ilefs*13 on the other allele. The parents who were each heterozygous for one of the ATP13A3 variants were unaffected at the time the study was performed. This missense variant has been reported in ClinVar (Variation ID 1195991), with current ClinVar submissions based on the the same family reported by Machado et al., 2022. The variant is absent from a large population dataset. Two bioinformatic tools queried predict that this substitution would be damaging, and the arginine residue at this position is evolutionarily conserved across all of the species assessed. We consider c.2227C>T in ATP13A3 to be likely pathogenic.

Wendy Chung Laboratory, Boston Children's Hospital
Classification: Likely pathogenic for Pulmonary arterial hypertension. Last evaluated: 2021-08-04. Review status: criteria provided, single submitter. Criteria: ACMG Guidelines, 2015. Collection method: clinical testing. Allele origin: maternal. Affected: yes. Observed: 4 variant alleles, 2 heterozygotes, 2 compound heterozygotes.
Comment: variant identified via re-analysis of sequencing data

OMIM
Classification: Pathogenic for PULMONARY HYPERTENSION, PRIMARY, 5. Last evaluated: 2022-08-29. Review status: no assertion criteria provided. Collection method: literature only. Allele origin: germline. Not counted in ClinVar's aggregate classification.

Literature cited by the submitters: PubMed 31727138 (cited by Johns Hopkins Genomics, Johns Hopkins University); PubMed 34493544 (cited by 3 submitters); PubMed 35204766 (cited by Johns Hopkins Genomics, Johns Hopkins University).